The following is an entry in ClinVar:

NM_176869.3(PPA2):c.945A>T (p.Ser315=)

Gene: PPA2 (inorganic pyrophosphatase 2; minus strand). Cytogenetic location: 4q24.
Variant type: single nucleotide variant.
Coding change: c.945A>T on transcript NM_176869.3 (MANE Select); coding-DNA position 945, A replaced by T.
Protein change: p.Ser315=; no amino-acid change (serine 315 retained).
Molecular consequence: synonymous variant.
Genome position (GRCh38, 1-based): chr4:105,370,868, T>A on the plus strand (A>T on the coding strand, the complement: PPA2 is on the minus strand). VCF-style: chr4-105370868-T-A. GRCh37 (hg19) VCF-style: chr4-106292025-T-A.
Other names: p.Ser315=; c.858A>T, p.Ser286= (NM_006903.4); c.639A>T, p.Ser213= (NM_176866.2); c.447A>T, p.Ser149= (NM_176867.3).
Identifiers: ClinVar variation 753787 (VCV000753787.12), dbSNP rs768416471, ClinGen allele CA3032344.

ClinVar aggregate classification (germline): Likely benign. Review status: criteria provided, multiple submitters, no conflicts (2 of 4 stars). 4 submissions from 4 submitters: Likely benign (4). Last evaluated 2026-08-01.

Allele frequency attached by ClinVar (database versions not stated): gnomAD 0.00002 and 0.00003; TOPMed 0.00006.
gnomAD v4.1: 26 of 1,473,804 alleles (0.0018%); highest among the groups gnomAD compares: Admixed American, 0.056%; no homozygotes.

Submissions (4):

CeGaT Center for Human Genetics Tuebingen
Classification: Likely benign. Last evaluated: 2026-08-01. Review status: criteria provided, single submitter. Criteria: CeGaT Center For Human Genetics Tuebingen Variant Classification Criteria Version 2. Collection method: clinical testing. Allele origin: germline. Affected: yes. Observed: 2 variant alleles.
Comment: PPA2: BP4, BP7

Labcorp Genetics (formerly Invitae), Labcorp
Classification: Likely benign. Last evaluated: 2025-11-21. Review status: criteria provided, single submitter. Criteria: Invitae Variant Classification Sherloc (09022015). Collection method: clinical testing. Allele origin: germline.

Mayo Clinic Laboratories, Mayo Clinic
Classification: Likely benign. Last evaluated: 2025-06-02. Review status: criteria provided, single submitter. Criteria: ACMG Guidelines, 2015. Collection method: clinical testing. Allele origin: germline. Observed: 1 variant allele.
Comment: BP4, BP7

GeneDx
Classification: Likely benign. Last evaluated: 2020-09-03. Review status: criteria provided, single submitter. Criteria: GeneDx Variant Classification Process June 2021. Collection method: clinical testing. Allele origin: germline. Affected: yes.